The following is an entry in ClinVar:

NM_024747.6(HPS6):c.530G>A (p.Ser177Asn)

Gene: HPS6 (HPS6 biogenesis of lysosomal organelles complex 2 subunit 3; plus strand). Cytogenetic location: 10q24.32.
Variant type: single nucleotide variant.
Coding change: c.530G>A on transcript NM_024747.6 (MANE Select); coding-DNA position 530, G replaced by A.
Protein change: p.Ser177Asn; replaces serine 177 with asparagine.
Molecular consequence: missense variant.
Genome position (GRCh38, 1-based): chr10:102,066,004, G>A. VCF-style: chr10-102066004-G-A. GRCh37 (hg19) VCF-style: chr10-103825761-G-A.
Other names: short protein forms S177N.
Identifiers: ClinVar variation 1950777 (VCV001950777.3), dbSNP rs373522289, ClinGen allele CA5659798.

ClinVar aggregate classification (germline): Conflicting classifications of pathogenicity. Review status: criteria provided, conflicting classifications (1 of 4 stars). 2 submissions from 2 submitters: Uncertain significance (1); Likely benign (1). Last evaluated 2025-08-07.

Conditions:
Inborn genetic diseases. Identifiers: MedGen C0950123, MeSH D030342.

Allele frequency attached by ClinVar (database versions not stated): ESP Exome Variant Server 0.00008.
gnomAD v4.1: 15 of 1,603,100 alleles (0.00094%); highest among the groups gnomAD compares: African/African-American, 0.016%; no homozygotes.

Submissions (2):

Ambry Genetics
Classification: Likely benign for Inborn genetic diseases. Last evaluated: 2025-08-07. Review status: criteria provided, single submitter. Criteria: Ambry Variant Classification Scheme 2023. Collection method: clinical testing. Allele origin: germline.

Labcorp Genetics (formerly Invitae), Labcorp
Classification: Uncertain significance. Last evaluated: 2022-08-04. Review status: criteria provided, single submitter. Criteria: Invitae Variant Classification Sherloc (09022015). Collection method: clinical testing. Allele origin: germline.
Comment: This sequence change replaces serine, which is neutral and polar, with asparagine, which is neutral and polar, at codon 177 of the HPS6 protein (p.Ser177Asn). This variant is present in population databases (rs373522289, gnomAD 0.02%). This variant has not been reported in the literature in individuals affected with HPS6-related conditions. Algorithms developed to predict the effect of missense changes on protein structure and function output the following: SIFT: "Tolerated"; PolyPhen-2: "Benign"; Align-GVGD: "Class C0". The asparagine amino acid residue is found in multiple mammalian species, which suggests that this missense change does not adversely affect protein function. In summary, the available evidence is currently insufficient to determine the role of this variant in disease. Therefore, it has been classified as a Variant of Uncertain Significance.